The following is an entry in ClinVar:

NM_001035.3(RYR2):c.11639G>C (p.Arg3880Thr)

Gene: RYR2 (ryanodine receptor 2; plus strand). Cytogenetic location: 1q43.
Variant type: single nucleotide variant.
Coding change: c.11639G>C on transcript NM_001035.3 (MANE Select); coding-DNA position 11639, G replaced by C.
Protein change: p.Arg3880Thr; replaces arginine 3880 with threonine.
Molecular consequence: missense variant.
Genome position (GRCh38, 1-based): chr1:237,772,093, G>C. VCF-style: chr1-237772093-G-C. GRCh37 (hg19) VCF-style: chr1-237935393-G-C.
Other names: c.11639G>C, p.Arg3880Thr (LRG_402t1); short protein forms R3880T.
Identifiers: ClinVar variation 463547 (VCV000463547.5), dbSNP rs766515965, ClinGen allele CA39816719.
Genomic context (GRCh38, chr1:237,772,093, plus strand): 5'-CTCAGACTGGCAATAATACAACTGTCAACATAATTATCTCCACTGTAGACTACCTACTGA[G>C]AGTTCAGGTATGTTGCTTTCCATATTAGTAACAAATTAAAAGGGTTGGTATGTTGAAACA-3'
Protein context (NP_001026.2, residues 3870-3890): IIISTVDYLL[Arg3880Thr]VQESISDFYW

ClinVar aggregate classification (germline): Uncertain significance. Review status: criteria provided, multiple submitters, no conflicts (2 of 4 stars). 4 submissions from 4 submitters: Uncertain significance (4). Last evaluated 2023-06-28.

Conditions:
Ventricular arrhythmias due to cardiac ryanodine receptor calcium release deficiency syndrome. Also called: Autosomal dominant cardiac arrhythmia (Kuhn). Identifiers: MedGen C5542154, MONDO:0020745, OMIM 115000.
Catecholaminergic polymorphic ventricular tachycardia 1. Also called: VENTRICULAR TACHYCARDIA, CATECHOLAMINERGIC POLYMORPHIC, 1, WITH OR WITHOUT ATRIAL DYSFUNCTION AND/OR DILATED CARDIOMYOPATHY; RYR2-Related Catecholaminergic Polymorphic Ventricular Tachycardia; VENTRICULAR TACHYCARDIA, STRESS-INDUCED POLYMORPHIC 1. Identifiers: Orphanet 3286, MedGen C1631597, MONDO:0011484, OMIM 604772.
Catecholaminergic polymorphic ventricular tachycardia (CVPT). Also called: Catecholamine-induced polymorphic ventricular tachycardia. Identifiers: Orphanet 3286, MedGen C5574922, MONDO:0017990.

Allele frequency attached by ClinVar (database versions not stated): gnomAD exomes 0.00001.
gnomAD v4.1: 8 of 1,505,086 alleles (0.00053%); highest among the groups gnomAD compares: Non-Finnish European, 0.00073%; no homozygotes.

Submissions (4):

All of Us Research Program, National Institutes of Health
Classification: Uncertain significance for Catecholaminergic polymorphic ventricular tachycardia. Last evaluated: 2023-06-28. Review status: criteria provided, single submitter. Criteria: ACMG Guidelines, 2015. Collection method: clinical testing. Allele origin: germline. Inheritance: Autosomal dominant inheritance. Observed: 1 variant allele, 1 heterozygote.
Comment: This study involves interpretation of variants in research participants for the purpose of population health screening. Participant phenotype was not available at the time of variant classification. Additional details can be found in publication PMID: 35346344, PMCID: PMC8962531

Department of Pathology and Laboratory Medicine, Sinai Health System
Classification: Uncertain significance for Ventricular arrhythmias due to cardiac ryanodine receptor calcium release deficiency syndrome; Catecholaminergic polymorphic ventricular tachycardia 1. Last evaluated: 2020-08-28. Review status: criteria provided, single submitter. Criteria: ACMG Guidelines, 2015. Collection method: research. Allele origin: germline.

Blueprint Genetics
Classification: Uncertain significance. Last evaluated: 2018-05-29. Review status: criteria provided, single submitter. Criteria: ACMG Guidelines, 2015. Collection method: clinical testing. Allele origin: germline.

Labcorp Genetics (formerly Invitae), Labcorp
Classification: Uncertain significance for Catecholaminergic polymorphic ventricular tachycardia 1. Last evaluated: 2017-06-20. Review status: criteria provided, single submitter. Criteria: Invitae Variant Classification Sherloc (09022015). Collection method: clinical testing. Allele origin: germline.
Comment: This sequence change replaces arginine with threonine at codon 3880 of the RYR2 protein (p.Arg3880Thr). The arginine residue is highly conserved and there is a moderate physicochemical difference between arginine and threonine. This variant is not present in population databases (ExAC no frequency). This variant has not been reported in the literature in individuals with a RYR2-related disease. This variant occurs within one of the three regions of the RYR2 gene (N-terminal domain, central domain, or channel region) where other pathogenic variants have been reported to cluster (PMID: 19926015). Algorithms developed to predict the effect of missense changes on protein structure and function do not agree on the potential impact of this missense change (SIFT: "Deleterious"; PolyPhen-2: "Probably Damaging"; Align-GVGD: "Class C0"). In summary, this variant has uncertain impact on RYR2 function. The available evidence is currently insufficient to determine its role in disease. Therefore, it has been classified as a Variant of Uncertain Significance.